The following is an entry in ClinVar:

ClinVar aggregate classification (germline): Likely benign. Review status: criteria provided, single submitter (1 of 4 stars). 2 submissions from 2 submitters: Likely benign (1). 1 of the submissions does not count toward it. Last evaluated 2025-01-20.

Conditions:
F8-related disorder. Also called: F8-related condition.

gnomAD v4.1: 18 of 1,208,349 alleles (0.0015%); highest among the groups gnomAD compares: Non-Finnish European, 0.00034%; no homozygotes.

Submissions (2):

Women's Health and Genetics/Laboratory Corporation of America, LabCorp
Classification: Likely benign. Last evaluated: 2025-01-20. Review status: criteria provided, single submitter. Criteria: LabCorp Variant Classification Summary - May 2015. Collection method: clinical testing. Allele origin: germline.

PreventionGenetics, part of Exact Sciences
Classification: Likely benign for F8-related condition. Last evaluated: 2020-12-22. Review status: no assertion criteria provided. Collection method: clinical testing. Allele origin: germline. Not counted in ClinVar's aggregate classification.
Comment: This variant is classified as likely benign based on ACMG/AMP sequence variant interpretation guidelines (Richards et al. 2015 PMID: 25741868, with internal and published modifications).

NM_000132.4(F8):c.2961G>A (p.Glu987=)

Gene: F8 (coagulation factor VIII; minus strand). Cytogenetic location: Xq28.
Variant type: single nucleotide variant.
Coding change: c.2961G>A on transcript NM_000132.4 (MANE Select); coding-DNA position 2961, G replaced by A.
Protein change: p.Glu987=; no amino-acid change (glutamic acid 987 retained).
Molecular consequence: synonymous variant.
Genome position (GRCh38, 1-based): chrX:154,930,829, C>T on the plus strand (G>A on the coding strand, the complement: F8 is on the minus strand). VCF-style: chrX-154930829-C-T. GRCh37 (hg19) VCF-style: chrX-154159104-C-T.
Identifiers: ClinVar variation 3031592 (VCV003031592.4), dbSNP rs782019600, ClinGen allele CA10568259.